The following is an entry in ClinVar:

ClinVar aggregate classification (germline): Uncertain significance (1 of 4 stars; one submission).

Conditions:
Hereditary cancer-predisposing syndrome. Also called: Neoplastic Syndromes, Hereditary; Hereditary Cancer Syndrome; Tumor predisposition; Hereditary neoplastic syndrome. Identifiers: Orphanet 140162, MedGen C0027672, MeSH D009386, MONDO:0015356.

Submission:

Ambry Genetics
Classification: Uncertain significance for Hereditary cancer-predisposing syndrome. Last evaluated: 2025-01-27. Review status: criteria provided, single submitter. Criteria: Ambry Variant Classification Scheme 2023. Collection method: clinical testing. Allele origin: germline.
Comment: The p.T271A variant (also known as c.811A>G), located in coding exon 7 of the SDHA gene, results from an A to G substitution at nucleotide position 811. The threonine at codon 271 is replaced by alanine, an amino acid with similar properties. This amino acid position is conserved. In addition, the in silico prediction for this alteration is inconclusive. Based on the available evidence, the clinical significance of this variant remains unclear.

NM_004168.4(SDHA):c.811A>G (p.Thr271Ala)

Gene: SDHA (succinate dehydrogenase complex flavoprotein subunit A; plus strand). Cytogenetic location: 5p15.33.
Variant type: single nucleotide variant.
Coding change: c.811A>G on transcript NM_004168.4 (MANE Select); coding-DNA position 811, A replaced by G.
Protein change: p.Thr271Ala; replaces threonine 271 with alanine.
Molecular consequence: missense variant.
Genome position (GRCh38, 1-based): chr5:230,916, A>G. VCF-style: chr5-230916-A-G. GRCh37 (hg19) VCF-style: chr5-231031-A-G.
Other names: c.667A>G, p.Thr223Ala (NM_001294332.2); c.811A>G, p.Thr271Ala (NM_001330758.2); short protein forms T223A, T271A.
Identifiers: ClinVar variation 3793549 (VCV003793549.1).